The following is an entry in ClinVar:

ClinVar aggregate classification (germline): Uncertain significance (1 of 4 stars; one submission).

Conditions:
Metachromatic leukodystrophy (MLD). Also called: CEREBROSIDE SULFATASE DEFICIENCY; METACHROMATIC LEUKOENCEPHALOPATHY; SULFATIDE LIPIDOSIS; Cerebral sclerosis diffuse metachromatic form; Arylsulfatase A Deficiency; ARSA DEFICIENCY. Identifiers: Orphanet 512, MedGen C0023522, MONDO:0018868, OMIM 250100.

Submission:

Labcorp Genetics (formerly Invitae), Labcorp
Classification: Uncertain significance for Metachromatic leukodystrophy. Last evaluated: 2022-05-16. Review status: criteria provided, single submitter. Criteria: Invitae Variant Classification Sherloc (09022015). Collection method: clinical testing. Allele origin: germline.
Comment: This sequence change replaces valine, which is neutral and non-polar, with isoleucine, which is neutral and non-polar, at codon 179 of the ARSA protein (p.Val179Ile). This variant is not present in population databases (gnomAD no frequency). This variant has not been reported in the literature in individuals affected with ARSA-related conditions. Algorithms developed to predict the effect of missense changes on protein structure and function are either unavailable or do not agree on the potential impact of this missense change (SIFT: "Tolerated"; PolyPhen-2: "Possibly Damaging"; Align-GVGD: "Class C0"). In summary, the available evidence is currently insufficient to determine the role of this variant in disease. Therefore, it has been classified as a Variant of Uncertain Significance.

NM_000487.6(ARSA):c.535G>A (p.Val179Ile)

Gene: ARSA (arylsulfatase A; minus strand). Cytogenetic location: 22q13.33.
Variant type: single nucleotide variant.
Coding change: c.535G>A on transcript NM_000487.6 (MANE Select); coding-DNA position 535, G replaced by A.
Protein change: p.Val179Ile; replaces valine 179 with isoleucine.
Molecular consequence: missense variant.
Genome position (GRCh38, 1-based): chr22:50,626,983, C>T on the plus strand (G>A on the coding strand, the complement: ARSA is on the minus strand). VCF-style: chr22-50626983-C-T. GRCh37 (hg19) VCF-style: chr22-51065411-C-T.
Other names: c.535G>A, p.Val179Ile (NM_001085425.3, NM_001085426.3, NM_001085427.3); c.277G>A, p.Val93Ile (NM_001085428.3, NM_001362782.2); short protein forms V179I, V93I.
Identifiers: ClinVar variation 1994433 (VCV001994433.1), dbSNP rs2518332051, ClinGen allele CA412177649.